The following is an entry in ClinVar:

NM_004415.4(DSP):c.5065A>C (p.Ile1689Leu)

Gene: DSP (desmoplakin; plus strand). Cytogenetic location: 6p24.3.
Variant type: single nucleotide variant.
Coding change: c.5065A>C on transcript NM_004415.4 (MANE Select); coding-DNA position 5065, A replaced by C.
Protein change: p.Ile1689Leu; replaces isoleucine 1689 with leucine.
Molecular consequence: missense variant. On other transcripts: intron variant (2).
Genome position (GRCh38, 1-based): chr6:7,581,255, A>C. VCF-style: chr6-7581255-A-C. GRCh37 (hg19) VCF-style: chr6-7581488-A-C.
Other names: c.4050+1015A>C (NM_001319034.2); c.3583-1387A>C (NM_001008844.3); short protein forms I1689L.
Identifiers: ClinVar variation 926828 (VCV000926828.6), dbSNP rs1043797322, ClinGen allele CA133970705.

ClinVar aggregate classification (germline): Uncertain significance. Review status: criteria provided, multiple submitters, no conflicts (2 of 4 stars). 3 submissions from 3 submitters: Uncertain significance (3). Last evaluated 2022-02-03.

Conditions:
Cardiomyopathy (CMYO). Also called: Cardiomyopathies. Identifiers: Orphanet 167848, MedGen C0878544, MONDO:0004994, HP:0001638. Inheritance: Various modes of inheritance.
Arrhythmogenic cardiomyopathy with wooly hair and keratoderma. Also called: Carvajal syndrome; PALMOPLANTAR KERATODERMA WITH LEFT VENTRICULAR CARDIOMYOPATHY AND WOOLLY HAIR; Dilated cardiomyopathy with woolly hair and keratoderma; Arrhythmogenic cardiomyopathy with woolly hair and keratoderma. Identifiers: Orphanet 65282, MedGen C1854063, MONDO:0011581, OMIM 605676.
Arrhythmogenic right ventricular dysplasia 8 (ARVD8). Also called: Arrhythmogenic Right Ventricular Dysplasia/Cardiomyopathy 8; ARRHYTHMOGENIC RIGHT VENTRICULAR DYSPLASIA, FAMILIAL, 8; ARRHYTHMOGENIC RIGHT VENTRICULAR CARDIOMYOPATHY 8. Identifiers: MedGen C1843896, MONDO:0011831, OMIM 607450.

Allele frequency attached by ClinVar (database versions not stated): gnomAD exomes below 0.00001; TOPMed 0.00001.
gnomAD v4.1: 5 of 1,614,200 alleles (0.00031%); highest among the groups gnomAD compares: Non-Finnish European, 0.00034%; no homozygotes.

Submissions (3):

Labcorp Genetics (formerly Invitae), Labcorp
Classification: Uncertain significance for Arrhythmogenic cardiomyopathy with wooly hair and keratoderma; Arrhythmogenic right ventricular dysplasia 8. Last evaluated: 2022-02-03. Review status: criteria provided, single submitter. Criteria: Invitae Variant Classification Sherloc (09022015). Collection method: clinical testing. Allele origin: germline.
Comment: This sequence change replaces isoleucine, which is neutral and non-polar, with leucine, which is neutral and non-polar, at codon 1689 of the DSP protein (p.Ile1689Leu). This variant is not present in population databases (gnomAD no frequency). This variant has not been reported in the literature in individuals affected with DSP-related conditions. ClinVar contains an entry for this variant (Variation ID: 926828). Algorithms developed to predict the effect of missense changes on protein structure and function (SIFT, PolyPhen-2, Align-GVGD) all suggest that this variant is likely to be tolerated. In summary, the available evidence is currently insufficient to determine the role of this variant in disease. Therefore, it has been classified as a Variant of Uncertain Significance.

Blueprint Genetics
Classification: Uncertain significance. Last evaluated: 2021-10-06. Review status: criteria provided, single submitter. Criteria: ACMG Guidelines, 2015. Collection method: clinical testing. Allele origin: germline.

Color Diagnostics, LLC DBA Color Health
Classification: Uncertain significance for Cardiomyopathy. Last evaluated: 2021-07-16. Review status: criteria provided, single submitter. Criteria: ACMG Guidelines, 2015. Collection method: clinical testing. Allele origin: germline.
Comment: This missense variant replaces isoleucine with leucine at codon 1689 of the DSP protein. Computational prediction suggests that this variant may not impact protein structure and function (internally defined REVEL score threshold <= 0.5, PMID: 27666373). To our knowledge, functional studies have not been reported for this variant. This variant has not been reported in individuals affected with cardiovascular disorders in the literature. This variant has not been identified in the general population by the Genome Aggregation Database (gnomAD). The available evidence is insufficient to determine the role of this variant in disease conclusively. Therefore, this variant is classified as a Variant of Uncertain Significance.